The following is an entry in ClinVar:

NM_018896.5(CACNA1G):c.7082A>T (p.Asp2361Val)

Gene: CACNA1G (calcium voltage-gated channel subunit alpha1 G; plus strand). Cytogenetic location: 17q21.33.
Variant type: single nucleotide variant.
Coding change: c.7082A>T on transcript NM_018896.5 (MANE Select); coding-DNA position 7082, A replaced by T.
Protein change: p.Asp2361Val; replaces aspartic acid 2361 with valine.
Molecular consequence: missense variant. On other transcripts: non-coding transcript variant (5).
Genome position (GRCh38, 1-based): chr17:50,626,699, A>T. VCF-style: chr17-50626699-A-T. GRCh37 (hg19) VCF-style: chr17-48704060-A-T.
Other names: c.6893A>T, p.Asp2298Val (NM_001256324.2); c.6824A>T, p.Asp2275Val (NM_001256325.2); c.6812A>T, p.Asp2271Val (NM_001256326.2); c.6782A>T, p.Asp2261Val (NM_001256327.2); c.6728A>T, p.Asp2243Val (NM_001256328.2); c.6701A>T, p.Asp2234Val (NM_001256329.2, NM_198387.3); c.6668A>T, p.Asp2223Val (NM_001256330.2); c.6647A>T, p.Asp2216Val (NM_001256331.2); and 19 more; short protein forms D2178V, D2230V, D2261V, D2290V, D2298V, D2350V, D2155V, D2211V.
Identifiers: ClinVar variation 2070074 (VCV002070074.5), dbSNP rs746579625, ClinGen allele CA8653804.
Genomic context (GRCh38, chr17:50,626,699, plus strand): 5'-AGGATCCCTTGGCCTCTGGCCCCCCTGACAGCATGGCTGCCTCGCCCTCCCCAAAGAAAG[A>T]TGTGCTGAGTCTCTCCGGTTTATCCTCTGACCCAGCAGACCTGGACCCCTGAGTCCTGCC-3'
Protein context (NP_061496.2, residues 2351-2371): SMAASPSPKK[Asp2361Val]VLSLSGLSSD

ClinVar aggregate classification (germline): Uncertain significance. Review status: criteria provided, multiple submitters, no conflicts (2 of 4 stars). 2 submissions from 2 submitters: Uncertain significance (2). Last evaluated 2025-12-29.

Allele frequency attached by ClinVar (database versions not stated): ExAC 0.00005; TOPMed 0.00008; gnomAD 0.00004.
gnomAD v4.1: 131 of 1,613,038 alleles (0.0081%); highest among the groups gnomAD compares: Non-Finnish European, 0.011%; no homozygotes.

Submissions (2):

Labcorp Genetics (formerly Invitae), Labcorp
Classification: Uncertain significance. Last evaluated: 2025-12-29. Review status: criteria provided, single submitter. Criteria: Invitae Variant Classification Sherloc (09022015). Collection method: clinical testing. Allele origin: germline.
Comment: This sequence change replaces aspartic acid, which is acidic and polar, with valine, which is neutral and non-polar, at codon 2361 of the CACNA1G protein (p.Asp2361Val). This variant is present in population databases (rs746579625, gnomAD 0.01%). This variant has not been reported in the literature in individuals affected with CACNA1G-related conditions. ClinVar contains an entry for this variant (Variation ID: 2070074). Invitae Evidence Modeling of protein sequence and biophysical properties (such as structural, functional, and spatial information, amino acid conservation, physicochemical variation, residue mobility, and thermodynamic stability) has been performed for this missense variant. However, the output from this modeling did not meet the statistical confidence thresholds required to predict the impact of this variant on CACNA1G protein function. In summary, the available evidence is currently insufficient to determine the role of this variant in disease. Therefore, it has been classified as a Variant of Uncertain Significance.

GeneDx
Classification: Uncertain significance. Last evaluated: 2024-08-24. Review status: criteria provided, single submitter. Criteria: GeneDx Variant Classification Process June 2021. Collection method: clinical testing. Allele origin: germline. Affected: yes.
Comment: Observed in an individual with acute myeloid leukemia in published literature (PMID: 32098966); In silico analysis supports that this missense variant has a deleterious effect on protein structure/function; This variant is associated with the following publications: (PMID: 32098966)